The following is an entry in ClinVar:

ClinVar aggregate classification (germline): Uncertain significance (1 of 4 stars; one submission).

Conditions:
Fanconi anemia (FA). Also called: Fanconi's anemia. Identifiers: Orphanet 84, MedGen C0015625, MeSH D005199, MONDO:0019391.

Submission:

Labcorp Genetics (formerly Invitae), Labcorp
Classification: Uncertain significance for Fanconi anemia. Last evaluated: 2021-10-14. Review status: criteria provided, single submitter. Criteria: Invitae Variant Classification Sherloc (09022015). Collection method: clinical testing. Allele origin: germline.
Comment: This sequence change replaces methionine with threonine at codon 1077 of the FANCA protein (p.Met1077Thr). The methionine residue is weakly conserved and there is a moderate physicochemical difference between methionine and threonine. This variant is not present in population databases (ExAC no frequency). This variant has not been reported in the literature in individuals affected with FANCA-related conditions. Advanced modeling of protein sequence and biophysical properties (such as structural, functional, and spatial information, amino acid conservation, physicochemical variation, residue mobility, and thermodynamic stability) performed at Invitae indicates that this missense variant is not expected to disrupt FANCA protein function. In summary, the available evidence is currently insufficient to determine the role of this variant in disease. Therefore, it has been classified as a Variant of Uncertain Significance.

NM_000135.4(FANCA):c.3230T>C (p.Met1077Thr)

Gene: FANCA (FA complementation group A; minus strand). Cytogenetic location: 16q24.3.
Variant type: single nucleotide variant.
Coding change: c.3230T>C on transcript NM_000135.4 (MANE Select); coding-DNA position 3230, T replaced by C.
Protein change: p.Met1077Thr; replaces methionine 1077 with threonine.
Molecular consequence: missense variant.
Genome position (GRCh38, 1-based): chr16:89,749,739, A>G on the plus strand (T>C on the coding strand, the complement: FANCA is on the minus strand). VCF-style: chr16-89749739-A-G. GRCh37 (hg19) VCF-style: chr16-89816147-A-G.
Other names: c.3230T>C, p.Met1077Thr (NM_001286167.3); short protein forms M1077T.
Identifiers: ClinVar variation 1500149 (VCV001500149.5), dbSNP rs776603588, ClinGen allele CA397486440.